The following is an entry in ClinVar:

ClinVar aggregate classification (germline): Uncertain significance (1 of 4 stars; one submission).

Conditions:
Supravalvar aortic stenosis (SVAS). Also called: Supravalvar aortic stenosis, Eisenberg type. Identifiers: Orphanet 3193, MedGen C0003499, MONDO:0008504, OMIM 185500, HP:0004381.

Submission:

Labcorp Genetics (formerly Invitae), Labcorp
Classification: Uncertain significance for Supravalvar aortic stenosis. Last evaluated: 2025-09-11. Review status: criteria provided, single submitter. Criteria: Invitae Variant Classification Sherloc (09022015). Collection method: clinical testing. Allele origin: germline.
Comment: This sequence change replaces glycine, which is neutral and non-polar, with serine, which is neutral and polar, at codon 143 of the ELN protein (p.Gly143Ser). This variant also falls at the last nucleotide of exon 8, which is part of the consensus splice site for this exon. This variant is not present in population databases (gnomAD no frequency). This variant has not been reported in the literature in individuals affected with ELN-related conditions. Experimental studies and prediction algorithms are not available or were not evaluated, and the functional significance of this variant is currently unknown. Variants that disrupt the consensus splice site are a relatively common cause of aberrant splicing (PMID: 17576681, 9536098). Algorithms developed to predict the effect of sequence changes on RNA splicing suggest that this variant may disrupt the consensus splice site. In summary, the available evidence is currently insufficient to determine the role of this variant in disease. Therefore, it has been classified as a Variant of Uncertain Significance.

Literature cited by the submitters: PubMed 17576681; PubMed 9536098.

NM_000501.4(ELN):c.427G>A (p.Gly143Ser)

Gene: ELN (elastin; plus strand). Cytogenetic location: 7q11.23.
Variant type: single nucleotide variant.
Coding change: c.427G>A on transcript NM_000501.4 (MANE Select); coding-DNA position 427, G replaced by A.
Protein change: p.Gly143Ser; replaces glycine 143 with serine.
Molecular consequence: missense variant.
Genome position (GRCh38, 1-based): chr7:74,043,168, G>A. VCF-style: chr7-74043168-G-A. GRCh37 (hg19) VCF-style: chr7-73457498-G-A.
Other names: c.397G>A, p.Gly133Ser (NM_001081752.3, NM_001278917.2, NM_001278918.2); c.442G>A, p.Gly148Ser (NM_001081753.3, NM_001081754.3); c.427G>A, p.Gly143Ser (NM_001081755.3, NM_001278912.2, NM_001278915.2 and 2 more transcripts); c.391G>A, p.Gly131Ser (NM_001278913.2); c.412G>A, p.Gly138Ser (NM_001278914.2); short protein forms G133S, G143S, G131S, G138S, G148S.
Identifiers: ClinVar variation 4727046 (VCV004727046.1).